The following continues an entry in ClinVar:

NM_000038.6(APC):c.3340C>T (p.Arg1114Ter)

Gene: APC. ClinVar aggregate classification (germline): Pathogenic. Pathogenic (9). ClinVar aggregate classification (oncogenicity): Likely oncogenic.

Submissions 13 to 15 of 15:

Department of Pathology and Laboratory Medicine, Sinai Health System
Classification: Pathogenic for Carcinoma of colon. Review status: no assertion criteria provided. Collection method: clinical testing. Allele origin: unknown. Affected: yes. Study: The Canadian Open Genetics Repository (COGR). Not counted in ClinVar's aggregate classification.
Comment: The p.Arg1114X variant was identified in 17 of 3924 proband chromosomes (frequency: 0.004) from individuals or families with familial adenomatous polyposis or colorectal cancer, and was not identified in 158 control chromosomes from healthy individuals (Aceto 2005; Ficari 2000; Friedl 2005; Kanter-Smoler 2008; Liu 2007; Nagase 1992; Rivers 2010; van der Luijt 1997; Vandrovcova 2004). The p.Arg1114X variant was also identified in dbSNP (ID: rs121913331), HGMD, UMD (25X), â€šÃ„ÃºInSiGHT Colon Cancer Databaseâ€šÃ„Ã¹, â€šÃ„ÃºZhejiang Colon Cancer Databaseâ€šÃ„Ã¹, and the COSMIC database. This variant is in the last exon and truncating variants in this region of the RNA may sometimes be subject to nonsense mediated RNA decay; this cannot be predicted. However, the p.Arg1114X variant leads to a premature stop codon at position 1114, which is predicted to lead to a truncated or absent protein and loss of function. Loss of function variants of the APC gene are an established mechanism of disease in familial adenomatous polyposis and is the type of variant expected to cause the disorder. In addition, Liu (2007) identified this variant in tumour tissues and predict it as a hot spot mutation with higher rate of cancer metastasis. In summary, based on the above information, this variant meets our laboratoryâ€šÃ„Ã´s criteria to be classified as pathogenic.

Genomics And Bioinformatics Analysis Resource, Columbia University
Classification: Pathogenic for Familial adenomatous polyposis 1. Review status: no assertion criteria provided. Collection method: research. Allele origin: unknown. Affected: yes. Not counted in ClinVar's aggregate classification.

Joint Genome Diagnostic Labs from Nijmegen and Maastricht, Radboudumc and MUMC+
Classification: Pathogenic. Review status: no assertion criteria provided. Collection method: clinical testing. Allele origin: germline. Affected: yes. Study: VKGL Data-share Consensus. Not counted in ClinVar's aggregate classification.

Literature cited by the submitters: PubMed 1338764 (cited by Labcorp Genetics (formerly Invitae), Labcorp and Ambry Genetics); PubMed 16134147 (cited by Labcorp Genetics (formerly Invitae), Labcorp); PubMed 20223039 (cited by 3 submitters); PubMed 20685668 (cited by Labcorp Genetics (formerly Invitae), Labcorp); PubMed 15311282 (cited by Labcorp Genetics (formerly Invitae), Labcorp); PubMed 17293347 (cited by Labcorp Genetics (formerly Invitae), Labcorp); PubMed 9824584 (cited by Labcorp Genetics (formerly Invitae), Labcorp); PubMed 1316610 (cited by Labcorp Genetics (formerly Invitae), Labcorp); PubMed 27081525 (cited by Labcorp Genetics (formerly Invitae), Labcorp); PubMed 8381579 (cited by Labcorp Genetics (formerly Invitae), Labcorp); PubMed 22135120 (cited by Labcorp Genetics (formerly Invitae), Labcorp); PubMed 10346819 (cited by Center for Genomic Medicine, Rigshospitalet, Copenhagen University Hospital); PubMed 20924072 (cited by Ambry Genetics); PubMed 22987206 (cited by Ambry Genetics); PubMed 18433509 (cited by Women's Health and Genetics/Laboratory Corporation of America, LabCorp); PubMed 10646887 (cited by Women's Health and Genetics/Laboratory Corporation of America, LabCorp).